The following is an entry in ClinVar:

NM_004519.4(KCNQ3):c.256G>C (p.Gly86Arg)

Gene: KCNQ3 (potassium voltage-gated channel subfamily Q member 3; minus strand). Cytogenetic location: 8q24.22.
Variant type: single nucleotide variant.
Coding change: c.256G>C on transcript NM_004519.4 (MANE Select); coding-DNA position 256, G replaced by C.
Protein change: p.Gly86Arg; replaces glycine 86 with arginine.
Molecular consequence: missense variant.
Genome position (GRCh38, 1-based): chr8:132,480,277, C>G on the plus strand (G>C on the coding strand, the complement: KCNQ3 is on the minus strand). VCF-style: chr8-132480277-C-G. GRCh37 (hg19) VCF-style: chr8-133492524-C-G.
Other names: short protein forms G86R.
Identifiers: ClinVar variation 3637108 (VCV003637108.2).

ClinVar aggregate classification (germline): Uncertain significance (1 of 4 stars; one submission).

Conditions:
Benign neonatal seizures. Also called: Benign familial neonatal seizures; Convulsions benign familial neonatal dominant form; Autosomal dominant form of benign neonatal seizures; Benign neonatal familial convulsions; Benign familial neonatal epilepsy. Identifiers: Orphanet 1949, MedGen C0220669, MONDO:0016027.

Submission:

Labcorp Genetics (formerly Invitae), Labcorp
Classification: Uncertain significance for Benign neonatal seizures. Last evaluated: 2024-02-21. Review status: criteria provided, single submitter. Criteria: Invitae Variant Classification Sherloc (09022015). Collection method: clinical testing. Allele origin: germline.
Comment: This sequence change replaces glycine, which is neutral and non-polar, with arginine, which is basic and polar, at codon 86 of the KCNQ3 protein (p.Gly86Arg). This variant is not present in population databases (gnomAD no frequency). This variant has not been reported in the literature in individuals affected with KCNQ3-related conditions. Advanced modeling of protein sequence and biophysical properties (such as structural, functional, and spatial information, amino acid conservation, physicochemical variation, residue mobility, and thermodynamic stability) performed at Invitae indicates that this missense variant is not expected to disrupt KCNQ3 protein function with a negative predictive value of 95%. In summary, the available evidence is currently insufficient to determine the role of this variant in disease. Therefore, it has been classified as a Variant of Uncertain Significance.